The following is an entry in ClinVar:

ClinVar aggregate classification (germline): Pathogenic (0 of 4 stars; one submission).

Conditions:
Acute myeloid leukemia with multilineage dysplasia. Identifiers: Orphanet 86845, MedGen C1292773, MONDO:0019456.

Submission:

Molecular Haematology Laboratory, NSW Health Pathology
Classification: Pathogenic for Acute Myeloid Leukemia with Multilineage Dysplasia. Last evaluated: 2020-01-07. Review status: no assertion criteria provided. Collection method: clinical testing. Allele origin: somatic. Inheritance: Somatic mutation. Affected: yes. Observed: 1 heterozygote.
Comment: The locus of the mutation is in the mutational hotspot for NPM1 mutations in acute myeloid leukemia and results in a frameshift [NM_002520.6(NPM1_i001):p.(Trp288Cysfs*12)] with the same loss of protein domain as other NPM1 mutations identified in hematological malignancies.

NM_002520.7(NPM1):c.864_873delinsTTTAAGGATTCGTC (p.Trp288fs)

Gene: NPM1 (nucleophosmin 1; plus strand). Cytogenetic location: 5q35.1.
Variant type: Indel.
Coding change: c.864_873delinsTTTAAGGATTCGTC on transcript NM_002520.7 (MANE Select); coding-DNA positions 864 to 873, GCAGTGGAGG replaced by TTTAAGGATTCGTC.
Protein change: p.Trp288fs; shifts the reading frame from tryptophan 288.
Molecular consequence: frameshift variant. On other transcripts: non-coding transcript variant (1).
Genome position (GRCh38, 1-based): chr5:171,410,544-171,410,553, GCAGTGGAGG replaced by TTTAAGGATTCGTC. VCF-style: chr5-171410544-GCAGTGGAGG-TTTAAGGATTCGTC. GRCh37 (hg19) VCF-style: chr5-170837548-GCAGTGGAGG-TTTAAGGATTCGTC.
Other names: c.864_873delinsTTTAAGGATTCGTC, p.Trp288fs (NM_001355006.2); c.672_681delinsTTTAAGGATTCGTC, p.Trp224fs (NM_001355007.2); c.483_492delinsTTTAAGGATTCGTC, p.Trp161fs (NM_001355010.2); c.777_786delinsTTTAAGGATTCGTC, p.Trp259fs (NM_199185.4); short protein forms W259fs, W288fs, W161fs, W224fs.
Identifiers: ClinVar variation 810668 (VCV000810668.3), dbSNP rs1581263026, ClinGen allele CA915942715.